The following is an entry in ClinVar:

NM_023067.4(FOXL2):c.1045C>G (p.Arg349Gly)

Gene: FOXL2 (forkhead box L2; minus strand). Cytogenetic location: 3q22.3.
Variant type: single nucleotide variant.
Coding change: c.1045C>G on transcript NM_023067.4 (MANE Select); coding-DNA position 1045, C replaced by G.
Protein change: p.Arg349Gly; replaces arginine 349 with glycine.
Molecular consequence: missense variant.
Genome position (GRCh38, 1-based): chr3:138,945,678, G>C on the plus strand (C>G on the coding strand, the complement: FOXL2 is on the minus strand). VCF-style: chr3-138945678-G-C. GRCh37 (hg19) VCF-style: chr3-138664520-G-C.
Other names: short protein forms R349G.
Identifiers: ClinVar variation 134454 (VCV000134454.7), dbSNP rs201840174, ClinGen allele CA159867.

ClinVar aggregate classification (germline): Conflicting classifications of pathogenicity. Review status: criteria provided, conflicting classifications (1 of 4 stars). 5 submissions from 5 submitters: Likely pathogenic (2); Uncertain significance (1). 2 of the submissions do not count toward it. Last evaluated 2025-02-19.

Conditions:
Genetic non-acquired premature ovarian failure. Identifiers: Orphanet 485382, MedGen C5925042.
Premature ovarian failure 3 (POF3). Identifiers: MedGen C1837008, MONDO:0012169, OMIM 608996.
Blepharophimosis, ptosis, and epicanthus inversus syndrome. Identifiers: Orphanet 126, MedGen C0220663, MONDO:0007201, OMIM 110100.

Allele frequency attached by ClinVar (database versions not stated): gnomAD exomes 0.00034; TOPMed 0.00048; 1000 Genomes Project 30x 0.00062; 1000 Genomes Project 0.00080; gnomAD 0.00013 and 0.00021; ExAC 0.00029.

Submissions (5):

Institute of Immunology and Genetics Kaiserslautern
Classification: Likely pathogenic for Premature ovarian failure 3; Blepharophimosis, ptosis, and epicanthus inversus syndrome. Last evaluated: 2025-02-19. Review status: criteria provided, single submitter. Criteria: ACMG Guidelines, 2015. Collection method: clinical testing. Allele origin: germline. Affected: yes.
Comment: ACMG Criteria: PS3_P, PS4_P, PM3, PP1, PP3, PP5 ; Variant was found in heterozygous state.

First Genomix Gene Laboratory, Genetic Diagnostics Department
Classification: Likely pathogenic for Blepharophimosis, ptosis, and epicanthus inversus syndrome. Last evaluated: 2025-01-16. Review status: criteria provided, single submitter. Criteria: ACMG Guidelines, 2015. Collection method: clinical testing. Allele origin: germline. Inheritance: Autosomal recessive inheritance. Affected: no. Observed: 1 variant allele.

Juno Genomics, Hangzhou Juno Genomics, Inc
Classification: Uncertain significance for Blepharophimosis, ptosis, and epicanthus inversus syndrome; Premature ovarian failure 3. Review status: criteria provided, single submitter. Criteria: ACMG Guidelines, 2015. Collection method: clinical testing. Allele origin: germline.
Comment: Multiple lines of computational evidence support a deleterious effect on the gene or gene product.;For recessive disorders, detected in trans with a pathogenic variant.

Center for Reproductive Medicine, Shandong Provincial Hospital Affiliated to Shandong University
Classification: Likely pathogenic for Genetic non-acquired premature ovarian failure. Last evaluated: 2019-10-01. Review status: no assertion criteria provided. Collection method: research. Allele origin: unknown. Affected: yes. Observed: 13 variant alleles. Not counted in ClinVar's aggregate classification.

ITMI
No classification provided. Condition: AllHighlyPenetrant. Last evaluated: 2013-09-19. Review status: no classification provided. Collection method: reference population. Allele origin: germline. Not counted in ClinVar's aggregate classification.
Comment: Please see associated publication for description of ethnicities

Literature cited by the submitters: PubMed 24728327 (cited by ITMI).